The following is an entry in ClinVar:

ClinVar aggregate classification (germline): Uncertain significance (1 of 4 stars; one submission).

Submission:

Labcorp Genetics (formerly Invitae), Labcorp
Classification: Uncertain significance. Last evaluated: 2022-07-15. Review status: criteria provided, single submitter. Criteria: Invitae Variant Classification Sherloc (09022015). Collection method: clinical testing. Allele origin: germline.
Comment: In summary, the available evidence is currently insufficient to determine the role of this variant in disease. Therefore, it has been classified as a Variant of Uncertain Significance. Variants that disrupt the consensus splice site are a relatively common cause of aberrant splicing (PMID: 17576681, 9536098). Algorithms developed to predict the effect of sequence changes on RNA splicing suggest that this variant may disrupt the consensus splice site. This variant has not been reported in the literature in individuals affected with AUTS2-related conditions. This variant is not present in population databases (gnomAD no frequency). This sequence change falls in intron 13 of the AUTS2 gene. It does not directly change the encoded amino acid sequence of the AUTS2 protein. It affects a nucleotide within the consensus splice site.

Literature cited by the submitters: PubMed 17576681; PubMed 9536098.

NM_015570.4(AUTS2):c.1932+4A>G

Gene: AUTS2 (activator of transcription and developmental regulator AUTS2; plus strand). Cytogenetic location: 7q11.22.
Variant type: single nucleotide variant.
Coding change: c.1932+4A>G on transcript NM_015570.4 (MANE Select); 4 bases into the intron after coding-DNA position 1932, A replaced by G.
Molecular consequence: intron variant.
Genome position (GRCh38, 1-based): chr7:70,775,390, A>G. VCF-style: chr7-70775390-A-G. GRCh37 (hg19) VCF-style: chr7-70240376-A-G.
Other names: c.1860+4A>G (NM_001127231.3).
Identifiers: ClinVar variation 2015975 (VCV002015975.4), dbSNP rs2484779588, ClinGen allele CA2580077330.